The following is an entry in ClinVar:

NM_003482.4(KMT2D):c.6989C>T (p.Pro2330Leu)

Gene: KMT2D (lysine methyltransferase 2D; minus strand). Cytogenetic location: 12q13.12.
Variant type: single nucleotide variant.
Coding change: c.6989C>T on transcript NM_003482.4 (MANE Select); coding-DNA position 6989, C replaced by T.
Protein change: p.Pro2330Leu; replaces proline 2330 with leucine.
Molecular consequence: missense variant.
Genome position (GRCh38, 1-based): chr12:49,040,781, G>A on the plus strand (C>T on the coding strand, the complement: KMT2D is on the minus strand). VCF-style: chr12-49040781-G-A. GRCh37 (hg19) VCF-style: chr12-49434564-G-A.
Other names: short protein forms P2330L.
Identifiers: ClinVar variation 4887160 (VCV004887160.1).

ClinVar aggregate classification (germline): Uncertain significance (1 of 4 stars; one submission).

gnomAD v4.1: 13 of 1,613,554 alleles (0.00081%); highest among the groups gnomAD compares: African/African-American, 0.008%; no homozygotes.

Submission:

Women's Health and Genetics/Laboratory Corporation of America, LabCorp
Classification: Uncertain significance. Last evaluated: 2026-06-17. Review status: criteria provided, single submitter. Criteria: LabCorp Variant Classification Summary - May 2015. Collection method: clinical testing. Allele origin: germline.
Comment: Variant summary: KMT2D c.6989C>T (p.Pro2330Leu) results in a non-conservative amino acid change in the encoded protein sequence. Algorithms developed to predict the effect of missense changes on protein structure and function all suggest that this variant is likely to be disruptive. The variant allele was found at a frequency of 1.2e-05 in 247390 control chromosomes. The available data on variant occurrences in the general population are insufficient to allow any conclusion about variant significance. To our knowledge, no occurrence of c.6989C>T in individuals affected with KMT2D-related conditions and no experimental evidence demonstrating its impact on protein function have been reported. No submitters have cited clinical-significance assessments for this variant to ClinVar. Based on the evidence outlined above, the variant was classified as uncertain significance.